The following is an entry in ClinVar:

ClinVar aggregate classification (germline): Uncertain significance (1 of 4 stars; one submission).

Conditions:
Hereditary cancer-predisposing syndrome. Also called: Neoplastic Syndromes, Hereditary; Tumor predisposition; Hereditary neoplastic syndrome; Hereditary Cancer Syndrome. Identifiers: Orphanet 140162, MedGen C0027672, MeSH D009386, MONDO:0015356.

Submission:

Ambry Genetics
Classification: Uncertain significance for Hereditary cancer-predisposing syndrome. Last evaluated: 2026-07-17. Review status: criteria provided, single submitter. Criteria: Ambry Variant Classification Scheme 2023. Collection method: clinical testing. Allele origin: germline.
Comment: The p.A843P variant (also known as c.2527G>C), located in coding exon 16 of the CDH1 gene, results from a G to C substitution at nucleotide position 2527. The alanine at codon 843 is replaced by proline, an amino acid with highly similar properties. This amino acid position is conserved. In addition, the in silico prediction for this alteration is inconclusive. Based on the available evidence, the clinical significance of this variant remains unclear.

NM_004360.5(CDH1):c.2527G>C (p.Ala843Pro)

Gene: CDH1 (cadherin 1; plus strand). Cytogenetic location: 16q22.1.
Variant type: single nucleotide variant.
Coding change: c.2527G>C on transcript NM_004360.5 (MANE Select); coding-DNA position 2527, G replaced by C.
Protein change: p.Ala843Pro; replaces alanine 843 with proline.
Molecular consequence: missense variant.
Genome position (GRCh38, 1-based): chr16:68,833,377, G>C. VCF-style: chr16-68833377-G-C. GRCh37 (hg19) VCF-style: chr16-68867280-G-C.
Other names: c.2344G>C, p.Ala782Pro (NM_001317184.2); c.979G>C, p.Ala327Pro (NM_001317185.2); c.562G>C, p.Ala188Pro (NM_001317186.2); short protein forms A327P, A782P, A188P, A843P.
Identifiers: ClinVar variation 5034001 (VCV005034001.1).
Genomic context (GRCh38, chr16:68,833,377, plus strand): 5'-ACAGCCCCGCCTTATGATTCTCTGCTCGTGTTTGACTATGAAGGAAGCGGTTCCGAAGCT[G>C]CTAGTCTGAGCTCCCTGAACTCCTCAGAGTCAGACAAAGACCAGGACTATGACTACTTGA-3'
Protein context (NP_004351.1, residues 833-853): FDYEGSGSEA[Ala843Pro]SLSSLNSSES